The following is an entry in ClinVar:

ClinVar aggregate classification (germline): Uncertain significance (1 of 4 stars; one submission).

Allele frequency attached by ClinVar (database versions not stated): gnomAD exomes 0.00001; TOPMed 0.00001; ExAC 0.00003.
gnomAD v4.1: 19 of 1,613,988 alleles (0.0012%); highest among the groups gnomAD compares: Admixed American, 0.0083%; no homozygotes.

Submission:

Labcorp Genetics (formerly Invitae), Labcorp
Classification: Uncertain significance. Last evaluated: 2022-04-06. Review status: criteria provided, single submitter. Criteria: Invitae Variant Classification Sherloc (09022015). Collection method: clinical testing. Allele origin: germline.
Comment: In summary, the available evidence is currently insufficient to determine the role of this variant in disease. Therefore, it has been classified as a Variant of Uncertain Significance. Algorithms developed to predict the effect of missense changes on protein structure and function are either unavailable or do not agree on the potential impact of this missense change (SIFT: "Tolerated"; PolyPhen-2: "Probably Damaging"; Align-GVGD: "Class C0"). This variant has not been reported in the literature in individuals affected with CARMIL2-related conditions. This variant is present in population databases (rs776193056, gnomAD 0.01%). This sequence change replaces arginine, which is basic and polar, with cysteine, which is neutral and slightly polar, at codon 1265 of the CARMIL2 protein (p.Arg1265Cys).

NM_001013838.3(CARMIL2):c.3793C>T (p.Arg1265Cys)

Gene: CARMIL2 (capping protein regulator and myosin 1 linker 2; plus strand). Cytogenetic location: 16q22.1.
Variant type: single nucleotide variant.
Coding change: c.3793C>T on transcript NM_001013838.3 (MANE Select); coding-DNA position 3793, C replaced by T.
Protein change: p.Arg1265Cys; replaces arginine 1265 with cysteine.
Molecular consequence: missense variant.
Genome position (GRCh38, 1-based): chr16:67,656,278, C>T. VCF-style: chr16-67656278-C-T. GRCh37 (hg19) VCF-style: chr16-67690181-C-T.
Other names: c.3685C>T, p.Arg1229Cys (NM_001317026.3); short protein forms R1229C, R1265C.
Identifiers: ClinVar variation 1984371 (VCV001984371.3), dbSNP rs776193056, ClinGen allele CA8114174.